The following is an entry in ClinVar:

ClinVar aggregate classification (germline): Uncertain significance (1 of 4 stars; one submission).

Conditions:
Perlman syndrome (PRLMNS). Identifiers: Orphanet 2849, MedGen C0796113, MONDO:0009965, OMIM 267000.

Allele frequency attached by ClinVar (database versions not stated): gnomAD exomes below 0.00001; ExAC 0.00001.
gnomAD v4.1: 2 of 1,613,714 alleles (0.00012%); highest among the groups gnomAD compares: Non-Finnish European, 0.00017%; no homozygotes.

Submission:

Labcorp Genetics (formerly Invitae), Labcorp
Classification: Uncertain significance for Perlman syndrome. Last evaluated: 2023-04-28. Review status: criteria provided, single submitter. Criteria: Invitae Variant Classification Sherloc (09022015). Collection method: clinical testing. Allele origin: germline.
Comment: In summary, the available evidence is currently insufficient to determine the role of this variant in disease. Therefore, it has been classified as a Variant of Uncertain Significance. Variants that disrupt the consensus splice site are a relatively common cause of aberrant splicing (PMID: 17576681, 9536098). Algorithms developed to predict the effect of sequence changes on RNA splicing suggest that this variant is not likely to affect RNA splicing. ClinVar contains an entry for this variant (Variation ID: 2074349). This variant has not been reported in the literature in individuals affected with DIS3L2-related conditions. This variant is present in population databases (rs754201134, gnomAD 0.0009%). This sequence change falls in intron 12 of the DIS3L2 gene. It does not directly change the encoded amino acid sequence of the DIS3L2 protein. It affects a nucleotide within the consensus splice site.

Literature cited by the submitters: PubMed 17576681; PubMed 9536098.

NM_152383.5(DIS3L2):c.1425+5C>G

Gene: DIS3L2 (DIS3 like 3'-5' exoribonuclease 2; plus strand). Cytogenetic location: 2q37.1.
Variant type: single nucleotide variant.
Coding change: c.1425+5C>G on transcript NM_152383.5 (MANE Select); 5 bases into the intron after coding-DNA position 1425, C replaced by G.
Molecular consequence: intron variant.
Genome position (GRCh38, 1-based): chr2:232,249,351, C>G. VCF-style: chr2-232249351-C-G. GRCh37 (hg19) VCF-style: chr2-233114061-C-G.
Other names: c.1425+5C>G (NM_001257281.2).
Identifiers: ClinVar variation 2074349 (VCV002074349.4), dbSNP rs754201134, ClinGen allele CA2164138.